The following is an entry in ClinVar:

NC_000023.10:g.(?_135067662)_(135126883_?)del

Gene: SLC9A6 (solute carrier family 9 member A6; plus strand). Cytogenetic location: Xq26.3.
Variant type: Deletion.
Identifiers: ClinVar variation 3245211 (VCV003245211.1).

ClinVar aggregate classification (germline): Pathogenic (1 of 4 stars; one submission).

Conditions:
Christianson syndrome (MRXSCH). Also called: X-linked mental retardation, syndromic, Christianson type; SLC9A6-Related Syndromic Mental Retardation; INTELLECTUAL DEVELOPMENTAL DISORDER, X-LINKED, SYNDROMIC, CHRISTIANSON TYPE. Identifiers: Orphanet 85278, MedGen C2678194, MONDO:0010278, OMIM 300243.

Submission:

Labcorp Genetics (formerly Invitae), Labcorp
Classification: Pathogenic for Christianson syndrome. Last evaluated: 2023-10-19. Review status: criteria provided, single submitter. Criteria: Invitae Variant Classification Sherloc (09022015). Collection method: clinical testing. Allele origin: unknown.
Comment: A gross deletion of the genomic region encompassing the full coding sequence of the SLC9A6 gene has been identified. Loss-of-function variants in SLC9A6 are known to be pathogenic (PMID: 18342287). The boundaries of this event are unknown as they extend beyond the assayed region for this gene and therefore may encompass additional genes. This variant has not been reported in the literature in individuals affected with SLC9A6-related conditions. For these reasons, this variant has been classified as Pathogenic.

Literature cited by the submitters: PubMed 18342287.